The following is an entry in ClinVar:

ClinVar aggregate classification (germline): Uncertain significance (1 of 4 stars; one submission).

Submission:

GeneDx
Classification: Uncertain significance. Last evaluated: 2025-02-13. Review status: criteria provided, single submitter. Criteria: GeneDx Variant Classification Process June 2021. Collection method: clinical testing. Allele origin: germline. Affected: yes.
Comment: Not observed at significant frequency in large population cohorts (gnomAD); In silico analysis supports that this missense variant has a deleterious effect on protein structure/function; Has not been previously published as pathogenic or benign to our knowledge

NM_152384.3(BBS5):c.428G>C (p.Arg143Thr)

Gene: BBS5 (Bardet-Biedl syndrome 5; plus strand). Cytogenetic location: 2q31.1.
Variant type: single nucleotide variant.
Coding change: c.428G>C on transcript NM_152384.3 (MANE Select); coding-DNA position 428, G replaced by C.
Protein change: p.Arg143Thr; replaces arginine 143 with threonine.
Molecular consequence: missense variant.
Genome position (GRCh38, 1-based): chr2:169,492,915, G>C. VCF-style: chr2-169492915-G-C. GRCh37 (hg19) VCF-style: chr2-170349425-G-C.
Other names: short protein forms R143T.
Identifiers: ClinVar variation 4076659 (VCV004076659.1).